The following is an entry in ClinVar:

NM_001204375.2(NPR3):c.1221T>G (p.Asp407Glu)

Gene: NPR3 (natriuretic peptide receptor 3; plus strand). Cytogenetic location: 5p13.3.
Variant type: single nucleotide variant.
Coding change: c.1221T>G on transcript NM_001204375.2 (MANE Select); coding-DNA position 1221, T replaced by G.
Protein change: p.Asp407Glu; replaces aspartic acid 407 with glutamic acid.
Molecular consequence: missense variant.
Genome position (GRCh38, 1-based): chr5:32,780,747, T>G. VCF-style: chr5-32780747-T-G. GRCh37 (hg19) VCF-style: chr5-32780853-T-G.
Other names: c.1221T>G, p.Asp407Glu (NM_000908.4); c.573T>G, p.Asp191Glu (NM_001204376.2, NM_001363652.2); c.501T>G, p.Asp167Glu (NM_001364458.2); c.450T>G, p.Asp150Glu (NM_001364460.2); short protein forms D407E, D167E, D150E, D191E.
Identifiers: ClinVar variation 2095227 (VCV002095227.4), dbSNP rs2478012686, ClinGen allele CA359468009.

ClinVar aggregate classification (germline): Uncertain significance (1 of 4 stars; one submission).

Submission:

Labcorp Genetics (formerly Invitae), Labcorp
Classification: Uncertain significance. Last evaluated: 2022-04-09. Review status: criteria provided, single submitter. Criteria: Invitae Variant Classification Sherloc (09022015). Collection method: clinical testing. Allele origin: germline.
Comment: In summary, the available evidence is currently insufficient to determine the role of this variant in disease. Therefore, it has been classified as a Variant of Uncertain Significance. Algorithms developed to predict the effect of missense changes on protein structure and function (SIFT, PolyPhen-2, Align-GVGD) all suggest that this variant is likely to be disruptive. This variant has not been reported in the literature in individuals affected with NPR3-related conditions. This variant is not present in population databases (gnomAD no frequency). This sequence change replaces aspartic acid, which is acidic and polar, with glutamic acid, which is acidic and polar, at codon 407 of the NPR3 protein (p.Asp407Glu).